The following is an entry in ClinVar:

NM_024989.4(PGAP1):c.2072C>T (p.Thr691Met)

Gene: PGAP1 (post-GPI attachment to proteins inositol deacylase 1; minus strand). Cytogenetic location: 2q33.1.
Variant type: single nucleotide variant.
Coding change: c.2072C>T on transcript NM_024989.4 (MANE Select); coding-DNA position 2072, C replaced by T.
Protein change: p.Thr691Met; replaces threonine 691 with methionine.
Molecular consequence: missense variant.
Genome position (GRCh38, 1-based): chr2:196,847,081, G>A on the plus strand (C>T on the coding strand, the complement: PGAP1 is on the minus strand). VCF-style: chr2-196847081-G-A. GRCh37 (hg19) VCF-style: chr2-197711805-G-A.
Other names: c.1550C>T, p.Thr517Met (NM_001321099.2); c.905C>T, p.Thr302Met (NM_001321100.2); short protein forms T302M, T517M, T691M.
Identifiers: ClinVar variation 2047239 (VCV002047239.2), dbSNP rs768817708, ClinGen allele CA2040723.

ClinVar aggregate classification (germline): Uncertain significance (1 of 4 stars; one submission).

Conditions:
Intellectual disability, autosomal recessive 42 (NEDDSBA). Also called: Neurodevelopmental disorder with dysmorphic features, spasticity, and brain abnormalities; GLYCOSYLPHOSPHATIDYLINOSITOL BIOSYNTHESIS DEFECT 9. Identifiers: Orphanet 88616, MedGen C4014343, MONDO:0014348, OMIM 615802.

Allele frequency attached by ClinVar (database versions not stated): ExAC 0.00003.
gnomAD v4.1: 40 of 1,613,528 alleles (0.0025%); highest among the groups gnomAD compares: Non-Finnish European, 0.003%; no homozygotes.

Submission:

Labcorp Genetics (formerly Invitae), Labcorp
Classification: Uncertain significance for Intellectual disability, autosomal recessive 42. Last evaluated: 2022-03-12. Review status: criteria provided, single submitter. Criteria: Invitae Variant Classification Sherloc (09022015). Collection method: clinical testing. Allele origin: germline.
Comment: In summary, the available evidence is currently insufficient to determine the role of this variant in disease. Therefore, it has been classified as a Variant of Uncertain Significance. Algorithms developed to predict the effect of missense changes on protein structure and function are either unavailable or do not agree on the potential impact of this missense change (SIFT: "Deleterious"; PolyPhen-2: "Probably Damaging"; Align-GVGD: "Class C15"). This variant has not been reported in the literature in individuals affected with PGAP1-related conditions. This variant is present in population databases (rs768817708, gnomAD 0.01%). This sequence change replaces threonine, which is neutral and polar, with methionine, which is neutral and non-polar, at codon 691 of the PGAP1 protein (p.Thr691Met).